The following is an entry in ClinVar:

NM_000059.4(BRCA2):c.2244_2245del (p.Tyr748_Ser749delinsTer)

Gene: BRCA2 (BRCA2 DNA repair associated; plus strand). Cytogenetic location: 13q13.1.
Variant type: Deletion.
Coding change: c.2244_2245del on transcript NM_000059.4 (MANE Select); coding-DNA positions 2244 to 2245, 2 bases deleted (CA; older notation c.2244_2245delCA).
Protein change: p.Tyr748_Ser749delinsTer.
Molecular consequence: nonsense. On other transcripts: non-coding transcript variant (1), intron variant (2).
Genome position (GRCh38, 1-based): chr13:32,336,599-32,336,600, CA deleted; deleting any 2 consecutive bases within chr13:32,336,598-32,336,600 gives the same sequence; the c. name uses the placement nearest the transcript's 3' end. VCF-style (leftmost placement, unchanged base first): chr13-32336597-TAC-T. GRCh37 (hg19) VCF-style: chr13-32910734-TAC-T.
Other names: 2472delCA; c.2244_2245del, p.Tyr748_Ser749delinsTer (NM_001406719.1, NM_001406720.1); c.1909+3212_1909+3213del (NM_001406721.1); c.424+5569_424+5570del (NM_001406722.1).
Identifiers: ClinVar variation 252817 (VCV000252817.46), dbSNP rs879255442, ClinGen allele CA10586056.
Genomic context (GRCh38, chr13:32,336,597, plus strand): 5'-GATATAAAAGAAGAGGTCTTGGCTGCAGCATGTCACCCAGTACAACATTCAAAAGTGGAA[TAC>T]AGTGATACTGACTTTCAATCCCAGAAAAGTCTTTTATATGATCATGAAAATGCCAGCACT-3'

ClinVar aggregate classification (germline): Pathogenic. Review status: reviewed by expert panel (3 of 4 stars). 9 submissions from 8 submitters: Pathogenic (1). 8 of the submissions do not count toward it. Last evaluated 2016-10-18.

Conditions:
Hereditary cancer-predisposing syndrome. Also called: Tumor predisposition; Hereditary Cancer Syndrome; Neoplastic Syndromes, Hereditary; Hereditary neoplastic syndrome. Identifiers: Orphanet 140162, MedGen C0027672, MeSH D009386, MONDO:0015356.
Breast-ovarian cancer, familial, susceptibility to, 2 (BROVCA2). Also called: BRCA2 Hereditary Breast and Ovarian Cancer. Identifiers: Orphanet 145, MedGen C2675520, MONDO:0012933, OMIM 612555. Disease mechanism: loss of function.
Familial cancer of breast. Also called: hereditary breast carcinoma; BREAST CANCER, FAMILIAL; Hereditary breast cancer. Identifiers: Orphanet 227535, MedGen C0346153, MONDO:0016419, OMIM 114480. Disease mechanism: loss of function.
Hereditary breast ovarian cancer syndrome. Also called: Hereditary breast and ovarian cancer; Hereditary breast and ovarian cancer syndrome; Hereditary breast and ovarian cancer syndrome (HBOC); Breast and ovarian cancer; Hereditary breast and/or ovarian cancer syndrome; BRCA1- and BRCA2-Associated Hereditary Breast and Ovarian Cancer. Identifiers: Orphanet 145, MedGen C0677776, MeSH D061325, MONDO:0003582. Disease mechanism: loss of function.

Submissions (9):

Evidence-based Network for the Interpretation of Germline Mutant Alleles (ENIGMA)
Classification: Pathogenic for Breast-ovarian cancer, familial, susceptibility to, 2. Last evaluated: 2016-10-18. Review status: reviewed by expert panel. Criteria: ENIGMA BRCA1/2 Classification Criteria (2015). Collection method: curation. Allele origin: germline.
Comment: Variant allele predicted to encode a truncated non-functional protein.

Institute of Human Genetics, University of Leipzig Medical Center
Classification: Pathogenic for Familial cancer of breast. Last evaluated: 2024-12-16. Review status: criteria provided, single submitter. Criteria: ACMG Guidelines, 2015. Collection method: clinical testing. Allele origin: unknown. Inheritance: Autosomal dominant inheritance. Affected: yes. Not counted in ClinVar's aggregate classification.
Comment: Criteria applied: PVS1,PM5_STR,PM2_SUP

All of Us Research Program, National Institutes of Health
Classification: Pathogenic for Breast-ovarian cancer, familial, susceptibility to, 2. Last evaluated: 2023-12-13. Review status: criteria provided, single submitter. Criteria: ACMG Guidelines, 2015. Collection method: clinical testing. Allele origin: germline. Inheritance: Autosomal dominant inheritance. Observed: 1 variant allele, 1 heterozygote. Not counted in ClinVar's aggregate classification.
Comment: This variant deletes 2 nucleotides in exon 11 of the BRCA2 gene, creating a frameshift and premature translation stop signal. This variant is expected to result in an absent or non-functional protein product. This variant has been reported in 1 individual affected with triple-negative breast cancer (PMID: 30257646) and and has been identified in 1 family among the CIMBA participants (PMID: 29446198). This variant has not been identified in the general population by the Genome Aggregation Database (gnomAD). Loss of BRCA2 function is a known mechanism of disease. Based on the available evidence, this variant is classified as Pathogenic.

This study involves interpretation of variants in research participants for the purpose of population health screening. Participant phenotype was not available at the time of variant classification. Additional details can be found in publication PMID: 35346344, PMCID: PMC8962531

Ambry Genetics
Classification: Pathogenic for Hereditary cancer-predisposing syndrome. Last evaluated: 2023-03-22. Review status: criteria provided, single submitter. Criteria: Ambry Variant Classification Scheme 2023. Collection method: clinical testing. Allele origin: germline. Not counted in ClinVar's aggregate classification.
Comment: The c.2244_2245delCA pathogenic mutation, located in coding exon 10 of the BRCA2 gene, results from a deletion of two nucleotides at nucleotide positions 2244 to 2245, causing a translational frameshift with a predicted alternate stop codon (p.Y748*). This alteration has been identified in multiple cohorts, including in patients with triple negative breast cancer (Hoyer J et al. BMC Cancer, 2018 Sep;18:926; Rebbeck TR et al. Hum Mutat, 2018 May;39:593-620). In addition to the clinical data presented in the literature, this alteration is expected to result in loss of function by premature protein truncation or nonsense-mediated mRNA decay. This variant is considered to be rare based on population cohorts in the Genome Aggregation Database (gnomAD). As such, this alteration is interpreted as a disease-causing mutation.

CeGaT Center for Human Genetics Tuebingen
Classification: Pathogenic. Last evaluated: 2022-11-01. Review status: criteria provided, single submitter. Criteria: CeGaT Center For Human Genetics Tuebingen Variant Classification Criteria Version 2. Collection method: clinical testing. Allele origin: germline. Affected: yes. Observed: 1 variant allele. Not counted in ClinVar's aggregate classification.
Comment: BRCA2: PVS1, PM2

Labcorp Genetics (formerly Invitae), Labcorp
Classification: Pathogenic for Hereditary breast ovarian cancer syndrome. Last evaluated: 2022-09-10. Review status: criteria provided, single submitter. Criteria: Invitae Variant Classification Sherloc (09022015). Collection method: clinical testing. Allele origin: germline. Not counted in ClinVar's aggregate classification.
Comment: This sequence change creates a premature translational stop signal (p.Tyr748*) in the BRCA2 gene. It is expected to result in an absent or disrupted protein product. Loss-of-function variants in BRCA2 are known to be pathogenic (PMID: 20104584). This variant is not present in population databases (gnomAD no frequency). This premature translational stop signal has been observed in individual(s) with breast cancer (PMID: 30257646). This variant is also known as 2472delCA. ClinVar contains an entry for this variant (Variation ID: 252817). For these reasons, this variant has been classified as Pathogenic.

Institute of Human Genetics, University of Leipzig Medical Center
Classification: Pathogenic for Breast-ovarian cancer, familial, susceptibility to, 2. Last evaluated: 2019-02-11. Review status: criteria provided, single submitter. Criteria: ACMG Guidelines, 2015. Collection method: clinical testing. Allele origin: germline. Affected: yes. Observed: 1 variant allele. Not counted in ClinVar's aggregate classification.

Consortium of Investigators of Modifiers of BRCA1/2 (CIMBA), c/o University of Cambridge
Classification: Pathogenic for Breast-ovarian cancer, familial, susceptibility to, 2. Last evaluated: 2015-10-02. Review status: criteria provided, single submitter. Criteria: CIMBA Mutation Classification guidelines May 2016. Collection method: clinical testing. Allele origin: germline. Not counted in ClinVar's aggregate classification.

Sharing Clinical Reports Project (SCRP)
Classification: Pathogenic for Breast-ovarian cancer, familial 2. Last evaluated: 2010-10-06. Review status: no assertion criteria provided. Collection method: clinical testing. Allele origin: germline. Not counted in ClinVar's aggregate classification.

Literature cited by the submitters: PubMed 29446198 (cited by All of Us Research Program, National Institutes of Health and Ambry Genetics); PubMed 30257646 (cited by 3 submitters); PubMed 20104584 (cited by Labcorp Genetics (formerly Invitae), Labcorp).